The following is an entry in ClinVar:

NR_033294.2(SNORD118):n.124C>T

Genes: SNORD118 (small nucleolar RNA, C/D box 118; minus strand), TMEM107 (transmembrane protein 107; minus strand). Cytogenetic location: 17p13.1.
Variant type: single nucleotide variant.
Molecular consequence: non-coding transcript variant (on NR_033294.2). On other transcripts: 3 prime UTR variant (5).
Genome position: GRCh38 VCF-style: chr17-8173465-G-A. GRCh37 (hg19) VCF-style: chr17-8076783-G-A.
Other names: c.*738C>T (NM_001351278.2, NM_001351279.2, NM_001351280.2 and 2 more transcripts).
Identifiers: ClinVar variation 1467109 (VCV001467109.6), dbSNP rs181915503, ClinGen allele CA8370583.

ClinVar aggregate classification (germline): Uncertain significance. Review status: criteria provided, multiple submitters, no conflicts (2 of 4 stars). 2 submissions from 2 submitters: Uncertain significance (2). Last evaluated 2024-11-26.

Allele frequency attached by ClinVar (database versions not stated): ESP Exome Variant Server 0.00017; 1000 Genomes Project 30x 0.00078; 1000 Genomes Project 0.00080.
gnomAD v4.1: 152 of 764,316 alleles (0.02%); highest among the groups gnomAD compares: East Asian, 0.039%; 1 homozygote.

Submissions (2):

Blueprint Genetics
Classification: Uncertain significance. Last evaluated: 2024-11-26. Review status: criteria provided, single submitter. Criteria: ACMG Guidelines, 2015. Collection method: clinical testing. Allele origin: germline.

Labcorp Genetics (formerly Invitae), Labcorp
Classification: Uncertain significance. Last evaluated: 2024-07-09. Review status: criteria provided, single submitter. Criteria: Invitae Variant Classification Sherloc (09022015). Collection method: clinical testing. Allele origin: germline.
Comment: This variant occurs in the SNORD118 gene, which encodes an RNA molecule that does not result in a protein product. This variant is present in population databases (rs181915503, gnomAD 0.04%), including at least one homozygous and/or hemizygous individual. This variant has not been reported in the literature in individuals affected with SNORD118-related conditions. ClinVar contains an entry for this variant (Variation ID: 1467109). Experimental studies and prediction algorithms are not available or were not evaluated, and the functional significance of this variant is currently unknown. In summary, the available evidence is currently insufficient to determine the role of this variant in disease. Therefore, it has been classified as a Variant of Uncertain Significance.